The following is an entry in ClinVar:

ClinVar aggregate classification (germline): Uncertain significance. Review status: criteria provided, multiple submitters, no conflicts (2 of 4 stars). 3 submissions from 3 submitters: Uncertain significance (3). Last evaluated 2023-12-05.

Conditions:
Hereditary cancer-predisposing syndrome. Also called: Hereditary Cancer Syndrome; Hereditary neoplastic syndrome; Neoplastic Syndromes, Hereditary; Tumor predisposition. Identifiers: Orphanet 140162, MedGen C0027672, MeSH D009386, MONDO:0015356.
Familial cancer of breast. Also called: hereditary breast carcinoma; BREAST CANCER, FAMILIAL; Hereditary breast cancer. Identifiers: Orphanet 227535, MedGen C0346153, MONDO:0016419, OMIM 114480. Disease mechanism: loss of function.
Fanconi anemia complementation group J. Also called: BRIP1-Related Fanconi Anemia. Identifiers: Orphanet 84, MedGen C1836860, MONDO:0012187, OMIM 609054.

gnomAD v4.1: 1 of 1,610,792 alleles (0.000062%); highest among the groups gnomAD compares: Non-Finnish European, 0.000085%; no homozygotes.

Submissions (3):

Color Diagnostics, LLC DBA Color Health
Classification: Uncertain significance for Hereditary cancer-predisposing syndrome. Last evaluated: 2023-12-05. Review status: criteria provided, single submitter. Criteria: ACMG Guidelines, 2015. Collection method: clinical testing. Allele origin: germline.
Comment: This missense variant replaces arginine with serine at codon 459 of the BRIP1 protein. Computational prediction tools and conservation analyses suggest that this variant may not impact the protein function. Computational splicing tools suggest that this variant may not impact RNA splicing. To our knowledge, functional assays have not been performed for this variant nor has this variant been reported in individuals affected with hereditary cancer in the literature. This variant has not been identified in the general population by the Genome Aggregation Database (gnomAD). Available evidence is insufficient to determine the role of this variant in disease conclusively. Therefore, this variant is classified as a Variant of Uncertain Significance.

Ambry Genetics
Classification: Uncertain significance for Hereditary cancer-predisposing syndrome. Last evaluated: 2021-12-10. Review status: criteria provided, single submitter. Criteria: Ambry Variant Classification Scheme 2023. Collection method: clinical testing. Allele origin: germline.
Comment: The p.R459S variant (also known as c.1377A>T), located in coding exon 9 of the BRIP1 gene, results from an A to T substitution at nucleotide position 1377. The arginine at codon 459 is replaced by serine, an amino acid with dissimilar properties. This amino acid position is conserved. In addition, the in silico prediction for this alteration is inconclusive. Since supporting evidence is limited at this time, the clinical significance of this alteration remains unclear.

Labcorp Genetics (formerly Invitae), Labcorp
Classification: Uncertain significance for Familial cancer of breast; Fanconi anemia complementation group J. Last evaluated: 2021-11-30. Review status: criteria provided, single submitter. Criteria: Invitae Variant Classification Sherloc (09022015). Collection method: clinical testing. Allele origin: germline.
Comment: This variant is not present in population databases (gnomAD no frequency). This sequence change replaces arginine, which is basic and polar, with serine, which is neutral and polar, at codon 459 of the BRIP1 protein (p.Arg459Ser). This variant has not been reported in the literature in individuals affected with BRIP1-related conditions. ClinVar contains an entry for this variant (Variation ID: 920290). Algorithms developed to predict the effect of missense changes on protein structure and function are either unavailable or do not agree on the potential impact of this missense change (SIFT: "Tolerated"; PolyPhen-2: "Possibly Damaging"; Align-GVGD: "Class C0"). In summary, the available evidence is currently insufficient to determine the role of this variant in disease. Therefore, it has been classified as a Variant of Uncertain Significance.

NM_032043.3(BRIP1):c.1377A>T (p.Arg459Ser)

Gene: BRIP1 (BRCA1 interacting DNA helicase 1; minus strand). Cytogenetic location: 17q23.2.
Variant type: single nucleotide variant.
Coding change: c.1377A>T on transcript NM_032043.3 (MANE Select); coding-DNA position 1377, A replaced by T.
Protein change: p.Arg459Ser; replaces arginine 459 with serine.
Molecular consequence: missense variant.
Genome position (GRCh38, 1-based): chr17:61,793,693, T>A on the plus strand (A>T on the coding strand, the complement: BRIP1 is on the minus strand). VCF-style: chr17-61793693-T-A. GRCh37 (hg19) VCF-style: chr17-59871054-T-A.
Other names: short protein forms R459S.
Identifiers: ClinVar variation 920290 (VCV000920290.15), dbSNP rs780310294, ClinGen allele CA400482249.
Genomic context (GRCh38, chr17:61,793,693, plus strand): 5'-TTTGTGTAAAGTTAAGAGCATTTCATTTCCACTCCATATTTTACAAGCTGATTCATAATC[T>A]CTTTCTACAAGATATTCAGCGTTTGCTTCTAACCAACTGAAATAAAATAAAACAATTGTG-3'
Protein context (NP_114432.2, residues 449-469): LEANAEYLVE[Arg459Ser]DYESACKIWS